The following is an entry in ClinVar:

NM_000540.3(RYR1):c.13410C>G (p.Gly4470=)

Gene: RYR1 (ryanodine receptor 1; plus strand). Cytogenetic location: 19q13.2.
Variant type: single nucleotide variant.
Coding change: c.13410C>G on transcript NM_000540.3 (MANE Select); coding-DNA position 13410, C replaced by G.
Protein change: p.Gly4470=; no amino-acid change (glycine 4470 retained).
Molecular consequence: synonymous variant.
Genome position (GRCh38, 1-based): chr19:38,565,744, C>G. VCF-style: chr19-38565744-C-G. GRCh37 (hg19) VCF-style: chr19-39056384-C-G.
Other names: c.13395C>G, p.Gly4465= (NM_001042723.2).
Identifiers: ClinVar variation 3072240 (VCV003072240.1), dbSNP rs2514682442, ClinGen allele CA507244079.

ClinVar aggregate classification (germline): Likely benign (1 of 4 stars; one submission).

Conditions:
Malignant hyperthermia, susceptibility to, 1 (MHS1). Also called: Anesthesia related hyperthermia; Malignant hyperpyrexia; Fulminating hyperpyrexia; Pharmacogenic myopathy; RYR1-Related Malignant Hyperthermia Susceptibility; Malignant hyperthermia suceptibility 1. Identifiers: Orphanet 423, MedGen C2930980, MONDO:0007783, OMIM 145600.

gnomAD v4.1: 1 of 1,420,658 alleles (0.00007%); no homozygotes.

Submission:

All of Us Research Program, National Institutes of Health
Classification: Likely benign for Malignant hyperthermia, susceptibility to, 1. Last evaluated: 2023-06-26. Review status: criteria provided, single submitter. Criteria: ACMG Guidelines, 2015. Collection method: clinical testing. Allele origin: germline. Inheritance: Autosomal dominant inheritance. Observed: 1 variant allele, 1 heterozygote.
Comment: This study involves interpretation of variants in research participants for the purpose of population health screening. Participant phenotype was not available at the time of variant classification. Additional details can be found in publication PMID: 35346344, PMCID: PMC8962531